The following is an entry in ClinVar:

NM_000038.6(APC):c.54G>A (p.Met18Ile)

Gene: APC (APC regulator of Wnt signaling pathway; plus strand). Cytogenetic location: 5q22.2.
Variant type: single nucleotide variant.
Coding change: c.54G>A on transcript NM_000038.6 (MANE Select); coding-DNA position 54, G replaced by A.
Protein change: p.Met18Ile; replaces methionine 18 with isoleucine.
Molecular consequence: missense variant. On other transcripts: 5 prime UTR variant (1), intron variant (8).
Genome position (GRCh38, 1-based): chr5:112,754,944, G>A. VCF-style: chr5-112754944-G-A. GRCh37 (hg19) VCF-style: chr5-112090641-G-A.
Other names: c.54G>A, p.Met18Ile (NM_001127510.3, NM_001354895.2, NM_001354896.2 and 2 more transcripts); c.-982G>A (NM_001354906.2); c.166-11382G>A (NM_001354897.2, NM_001354902.2, NM_001127511.3); c.61-11382G>A (NM_001354898.2, NM_001354904.2); c.-42-11382G>A (NM_001354900.2, NM_001354901.2, NM_001354905.2); short protein forms M18I.
Identifiers: ClinVar variation 411541 (VCV000411541.26), dbSNP rs772873692, ClinGen allele CA042134.

ClinVar aggregate classification (germline): Uncertain significance. Review status: criteria provided, multiple submitters, no conflicts (2 of 4 stars). 5 submissions from 5 submitters: Uncertain significance (5). Last evaluated 2025-11-17.

Conditions:
Familial adenomatous polyposis 1 (FAP1). Also called: FAMILIAL ADENOMATOUS POLYPOSIS 1, ATTENUATED; POLYPOSIS, ADENOMATOUS INTESTINAL. Identifiers: MedGen C2713442, MONDO:0021056, OMIM 175100. Disease mechanism: loss of function.
Hereditary cancer-predisposing syndrome. Also called: Tumor predisposition; Hereditary Cancer Syndrome; Hereditary neoplastic syndrome; Neoplastic Syndromes, Hereditary. Identifiers: Orphanet 140162, MedGen C0027672, MeSH D009386, MONDO:0015356.
Classic or attenuated familial adenomatous polyposis. Identifiers: MedGen CN372698, MONDO:0021057.

Allele frequency attached by ClinVar (database versions not stated): gnomAD exomes below 0.00001 and 0.00002; ExAC 0.00003.

Submissions (5):

Labcorp Genetics (formerly Invitae), Labcorp
Classification: Uncertain significance for Familial adenomatous polyposis 1. Last evaluated: 2025-11-17. Review status: criteria provided, single submitter. Criteria: Invitae Variant Classification Sherloc (09022015). Collection method: clinical testing. Allele origin: germline.
Comment: This sequence change replaces methionine, which is neutral and non-polar, with isoleucine, which is neutral and non-polar, at codon 18 of the APC protein (p.Met18Ile). This variant is present in population databases (rs772873692, gnomAD 0.006%). This variant has not been reported in the literature in individuals affected with APC-related conditions. ClinVar contains an entry for this variant (Variation ID: 411541). Invitae Evidence Modeling of protein sequence and biophysical properties (such as structural, functional, and spatial information, amino acid conservation, physicochemical variation, residue mobility, and thermodynamic stability) indicates that this missense variant is not expected to disrupt APC protein function with a negative predictive value of 95%. In summary, the available evidence is currently insufficient to determine the role of this variant in disease. Therefore, it has been classified as a Variant of Uncertain Significance.

Ambry Genetics
Classification: Uncertain significance for Hereditary cancer-predisposing syndrome. Last evaluated: 2025-05-13. Review status: criteria provided, single submitter. Criteria: Ambry Variant Classification Scheme 2023. Collection method: clinical testing. Allele origin: germline.
Comment: The p.M18I variant (also known as c.54G>A), located in coding exon 1 of the APC gene, results from a G to A substitution at nucleotide position 54. The methionine at codon 18 is replaced by isoleucine, an amino acid with highly similar properties. This amino acid position is highly conserved in available vertebrate species. In addition, in silico predictors for this gene do not accurately predict pathogenicity. Missense alterations in APC are not a common cause of disease (Spier I et al. Genet Med. 2024 Feb;26(2):100992). Based on the available evidence, the clinical significance of this variant remains unclear.

All of Us Research Program, National Institutes of Health
Classification: Uncertain significance for Classic or attenuated familial adenomatous polyposis. Last evaluated: 2024-08-13. Review status: criteria provided, single submitter. Criteria: ACMG Guidelines, 2015. Collection method: clinical testing. Allele origin: germline. Inheritance: Autosomal dominant inheritance. Observed: 7 variant alleles, 7 heterozygotes.
Comment: This missense variant replaces methionine with isoleucine at codon 18 of the APC protein. Computational prediction suggests that this variant may not impact protein structure and function (internally defined REVEL score threshold <= 0.5, PMID: 27666373). To our knowledge, functional studies have not been reported for this variant. This variant has not been reported in individuals affected with APC-related disorders in the literature. This variant has been identified in 5/251302 chromosomes in the general population by the Genome Aggregation Database (gnomAD). The available evidence is insufficient to determine the role of this variant in disease conclusively. Therefore, this variant is classified as a Variant of Uncertain Significance.

This study involves interpretation of variants in research participants for the purpose of population health screening. Participant phenotype was not available at the time of variant classification. Additional details can be found in publication PMID: 35346344, PMCID: PMC8962531

Color Diagnostics, LLC DBA Color Health
Classification: Uncertain significance for Hereditary cancer-predisposing syndrome. Last evaluated: 2024-07-30. Review status: criteria provided, single submitter. Criteria: ACMG Guidelines, 2015. Collection method: clinical testing. Allele origin: germline.
Comment: This missense variant replaces methionine with isoleucine at codon 18 of the APC protein. Computational prediction suggests that this variant may not impact protein structure and function (internally defined REVEL score threshold <= 0.5, PMID: 27666373). To our knowledge, functional studies have not been reported for this variant. This variant has not been reported in individuals affected with APC-related disorders in the literature. This variant has been identified in 5/251302 chromosomes in the general population by the Genome Aggregation Database (gnomAD). The available evidence is insufficient to determine the role of this variant in disease conclusively. Therefore, this variant is classified as a Variant of Uncertain Significance.

Baylor Genetics
Classification: Uncertain significance for Familial adenomatous polyposis 1. Last evaluated: 2024-01-26. Review status: criteria provided, single submitter. Criteria: ACMG Guidelines, 2015. Collection method: clinical testing. Allele origin: unknown.